The following is an entry in ClinVar:

NM_003000.3(SDHB):c.754A>T (p.Thr252Ser)

Gene: SDHB (succinate dehydrogenase complex iron sulfur subunit B; minus strand). Cytogenetic location: 1p36.13.
Variant type: single nucleotide variant.
Coding change: c.754A>T on transcript NM_003000.3 (MANE Select); coding-DNA position 754, A replaced by T.
Protein change: p.Thr252Ser; replaces threonine 252 with serine.
Molecular consequence: missense variant.
Genome position (GRCh38, 1-based): chr1:17,022,619, T>A on the plus strand (A>T on the coding strand, the complement: SDHB is on the minus strand). VCF-style: chr1-17022619-T-A. GRCh37 (hg19) VCF-style: chr1-17349114-T-A.
Other names: c.700A>T, p.Thr234Ser (NM_001407361.1); short protein forms T234S, T252S.
Identifiers: ClinVar variation 3951396 (VCV003951396.1).
Genomic context (GRCh38, chr1:17,022,619, plus strand): 5'-CTGGCGTGTCAGCTCTGAGGCAGAGCTGAGGGTCACCAGCCCCACGTACCTTAGGACAGG[T>A]CCTTGTGCAGTTCATGATGGTGTGGCAGCGGTATAGAGAGAATGGGTCCTGCAGCTTGGC-3'
Protein context (NP_002991.2, residues 242-262): RCHTIMNCTR[Thr252Ser]CPKGLNPGKA

ClinVar aggregate classification (germline): Uncertain significance (1 of 4 stars; one submission).

Conditions:
Hereditary cancer-predisposing syndrome. Also called: Tumor predisposition; Hereditary neoplastic syndrome; Hereditary Cancer Syndrome; Neoplastic Syndromes, Hereditary. Identifiers: Orphanet 140162, MedGen C0027672, MeSH D009386, MONDO:0015356.

Submission:

Ambry Genetics
Classification: Uncertain significance for Hereditary cancer-predisposing syndrome. Last evaluated: 2025-04-11. Review status: criteria provided, single submitter. Criteria: Ambry Variant Classification Scheme 2023. Collection method: clinical testing. Allele origin: germline.
Comment: The p.T252S variant (also known as c.754A>T), located in coding exon 7 of the SDHB gene, results from an A to T substitution at nucleotide position 754. The threonine at codon 252 is replaced by serine, an amino acid with similar properties. This amino acid position is conserved. In addition, the in silico prediction for this alteration is inconclusive. Based on the available evidence, the clinical significance of this variant remains unclear.